The following is an entry in ClinVar:

ClinVar aggregate classification (germline): Likely benign (1 of 4 stars; one submission).

Conditions:
Familial hypercholesterolemia. Also called: Familial hypercholesterolaemia. Identifiers: MedGen C0020445, MONDO:0005439.

gnomAD v4.1: 6 of 1,614,070 alleles (0.00037%); highest among the groups gnomAD compares: Non-Finnish European, 0.00042%; no homozygotes.

Submission:

GENinCode PLC
Classification: Likely benign for Familial hypercholesterolemia. Last evaluated: 2025-01-09. Review status: criteria provided, single submitter. Criteria: ACMG Guidelines, 2015. Collection method: clinical testing. Allele origin: germline.
Comment: This is a synonymous (silent) variant that is not predicted to impact splicing and occurs at a nucleotide which is not highly conserved. This variant has been classified as Likely Benign (BP4, BP7).

NM_000384.3(APOB):c.8826T>C (p.His2942=)

Gene: APOB (apolipoprotein B; minus strand). Cytogenetic location: 2p24.1.
Variant type: single nucleotide variant.
Coding change: c.8826T>C on transcript NM_000384.3 (MANE Select); coding-DNA position 8826, T replaced by C.
Protein change: p.His2942=; no amino-acid change (histidine 2942 retained).
Molecular consequence: synonymous variant.
Genome position (GRCh38, 1-based): chr2:21,008,042, A>G on the plus strand (T>C on the coding strand, the complement: APOB is on the minus strand). VCF-style: chr2-21008042-A-G. GRCh37 (hg19) VCF-style: chr2-21230914-A-G.
Identifiers: ClinVar variation 3571439 (VCV003571439.1).
Genomic context (GRCh38, chr2:21,008,042, plus strand): 5'-CTTATTGGACAGTCCAAAGGAAGTGAGGGGTCCTTCTATGGTGAAACTAATTTGTGATTC[A>G]TGTGTTCCCTCATCTGAGAATCTGGGGCAGGCCCATTTCCATGACCCTTTTCCAGAAGAA-3'
Protein context (NP_000375.3, residues 2932-2952): ACPRFSDEGT[His2942=]ESQISFTIEG